The following is an entry in ClinVar:

ClinVar aggregate classification (germline): Uncertain significance. Review status: criteria provided, multiple submitters, no conflicts (2 of 4 stars). 2 submissions from 2 submitters: Uncertain significance (2). Last evaluated 2025-08-04.

Conditions:
Centromeric instability of chromosomes 1,9 and 16 and immunodeficiency (ICF1). Also called: CENTROMERIC INSTABILITY, IMMUNODEFICIENCY SYNDROME; IMMUNE DEFICIENCY, VARIABLE, WITH CENTROMERIC INSTABILITY OF CHROMOSOMES 1, 9, AND 16; IMMUNODEFICIENCY SYNDROME, VARIABLE; Immunodeficiency-centromeric instability-facial anomalies. Identifiers: Orphanet 2268, MedGen C0398788, MONDO:0000133.
Inborn genetic diseases. Identifiers: MedGen C0950123, MeSH D030342.

Allele frequency attached by ClinVar (database versions not stated): gnomAD exomes 0.00001 and 0.00007; TOPMed 0.00003; gnomAD 0.00004 and 0.00005; ESP Exome Variant Server 0.00008.
gnomAD v4.1: 103 of 1,614,124 alleles (0.0064%); highest among the groups gnomAD compares: Non-Finnish European, 0.0086%; no homozygotes.

Submissions (2):

Ambry Genetics
Classification: Uncertain significance for Inborn genetic diseases. Last evaluated: 2025-08-04. Review status: criteria provided, single submitter. Criteria: Ambry Variant Classification Scheme 2023. Collection method: clinical testing. Allele origin: germline.

Labcorp Genetics (formerly Invitae), Labcorp
Classification: Uncertain significance for Centromeric instability of chromosomes 1,9 and 16 and immunodeficiency. Last evaluated: 2022-07-13. Review status: criteria provided, single submitter. Criteria: Invitae Variant Classification Sherloc (09022015). Collection method: clinical testing. Allele origin: germline.
Comment: This sequence change replaces lysine, which is basic and polar, with arginine, which is basic and polar, at codon 592 of the DNMT3B protein (p.Lys592Arg). This variant is present in population databases (rs367796697, gnomAD 0.003%). This variant has not been reported in the literature in individuals affected with DNMT3B-related conditions. ClinVar contains an entry for this variant (Variation ID: 858133). Algorithms developed to predict the effect of missense changes on protein structure and function are either unavailable or do not agree on the potential impact of this missense change (SIFT: "Deleterious"; PolyPhen-2: "Benign"; Align-GVGD: "Class C25"). In summary, the available evidence is currently insufficient to determine the role of this variant in disease. Therefore, it has been classified as a Variant of Uncertain Significance.

NM_006892.4(DNMT3B):c.1775A>G (p.Lys592Arg)

Gene: DNMT3B (DNA methyltransferase 3 beta; plus strand). Cytogenetic location: 20q11.21.
Variant type: single nucleotide variant.
Coding change: c.1775A>G on transcript NM_006892.4 (MANE Select); coding-DNA position 1775, A replaced by G.
Protein change: p.Lys592Arg; replaces lysine 592 with arginine.
Molecular consequence: missense variant.
Genome position (GRCh38, 1-based): chr20:32,800,168, A>G. VCF-style: chr20-32800168-A-G. GRCh37 (hg19) VCF-style: chr20-31387974-A-G.
Other names: c.1589A>G, p.Lys530Arg (NM_001207055.2); c.1487A>G, p.Lys496Arg (NM_001207056.2); c.1715A>G, p.Lys572Arg (NM_175848.2, NM_175849.2); c.1751A>G, p.Lys584Arg (NM_175850.3); short protein forms K592R, K496R, K530R, K572R, K584R.
Identifiers: ClinVar variation 858133 (VCV000858133.8), dbSNP rs367796697, ClinGen allele CA313155112.
Genomic context (GRCh38, chr20:32,800,168, plus strand): 5'-GTGCTCAGCATCATTTATGCTTCTGTGTCTCTCTGGCCCCCACAGGCTACCTAGTCCTCA[A>G]AGAGTTGGGCATAAAGGTAGGAAAGTACGTCGCTTCTGAAGTGTGTGAGGAGTCCATTGC-3'
Protein context (NP_008823.1, residues 582-602): DGIATGYLVL[Lys592Arg]ELGIKVGKYV